The following is an entry in ClinVar:

NM_005263.5(GFI1):c.274C>A (p.Pro92Thr)

Gene: GFI1 (growth factor independent 1 transcriptional repressor; minus strand). Cytogenetic location: 1p22.1.
Variant type: single nucleotide variant.
Coding change: c.274C>A on transcript NM_005263.5 (MANE Select); coding-DNA position 274, C replaced by A.
Protein change: p.Pro92Thr; replaces proline 92 with threonine.
Molecular consequence: missense variant.
Genome position (GRCh38, 1-based): chr1:92,482,888, G>T on the plus strand (C>A on the coding strand, the complement: GFI1 is on the minus strand). VCF-style: chr1-92482888-G-T. GRCh37 (hg19) VCF-style: chr1-92948445-G-T.
Other names: c.274C>A, p.Pro92Thr (NM_001127215.3, NM_001127216.3); short protein forms P92T.
Identifiers: ClinVar variation 4263221 (VCV004263221.1).

ClinVar aggregate classification (germline): Uncertain significance (1 of 4 stars; one submission).

gnomAD v4.1: 1 of 1,614,020 alleles (0.000062%); highest among the groups gnomAD compares: Non-Finnish European, 0.000085%; no homozygotes.

Submission:

Ambry Genetics
Classification: Uncertain significance. Last evaluated: 2025-07-31. Review status: criteria provided, single submitter. Criteria: Ambry Variant Classification Scheme 2023. Collection method: clinical testing. Allele origin: germline.
Comment: The p.P92T variant (also known as c.274C>A), located in coding exon 2 of the GFI1 gene, results from a C to A substitution at nucleotide position 274. The proline at codon 92 is replaced by threonine, an amino acid with highly similar properties. This amino acid position is conserved. In addition, the in silico prediction for this alteration is inconclusive. Based on the available evidence, the clinical significance of this variant remains unclear.